The following is an entry in ClinVar:

NM_014781.5(RB1CC1):c.1053T>C (p.Ile351=)

Gene: RB1CC1 (RB1 inducible coiled-coil 1; minus strand). Cytogenetic location: 8q11.23.
Variant type: single nucleotide variant.
Coding change: c.1053T>C on transcript NM_014781.5 (MANE Select); coding-DNA position 1053, T replaced by C.
Protein change: p.Ile351=; no amino-acid change (isoleucine 351 retained).
Molecular consequence: synonymous variant.
Genome position (GRCh38, 1-based): chr8:52,668,141, A>G on the plus strand (T>C on the coding strand, the complement: RB1CC1 is on the minus strand). VCF-style: chr8-52668141-A-G. GRCh37 (hg19) VCF-style: chr8-53580701-A-G.
Other names: c.1053T>C, p.Ile351= (NM_001083617.2).
Identifiers: ClinVar variation 713686 (VCV000713686.29), dbSNP rs35009616, ClinGen allele CA4748249.

ClinVar aggregate classification (germline): Benign/Likely benign. Review status: criteria provided, multiple submitters, no conflicts (2 of 4 stars). 4 submissions from 4 submitters: Benign (2); Likely benign (2). Last evaluated 2024-11-27.

Allele frequency attached by ClinVar (database versions not stated): 1000 Genomes Project 0.00140; 1000 Genomes Project 30x 0.00141; ExAC 0.00326; gnomAD exomes 0.00361 and 0.00609; gnomAD 0.00387 and 0.00397; ESP Exome Variant Server 0.00469; TOPMed 0.00487.
gnomAD v4.1: 9,542 of 1,614,086 alleles (0.59%); highest among the groups gnomAD compares: Non-Finnish European, 0.72%; 38 homozygotes.

Submissions (4):

Blueprint Genetics
Classification: Likely benign. Last evaluated: 2024-11-27. Review status: criteria provided, single submitter. Criteria: ACMG Guidelines, 2015. Collection method: clinical testing. Allele origin: germline.

CeGaT Center for Human Genetics Tuebingen
Classification: Likely benign. Last evaluated: 2022-08-01. Review status: criteria provided, single submitter. Criteria: CeGaT Center For Human Genetics Tuebingen Variant Classification Criteria Version 2. Collection method: clinical testing. Allele origin: germline. Affected: yes. Observed: 1 variant allele.
Comment: RB1CC1: BP4, BP7

Labcorp Genetics (formerly Invitae), Labcorp
Classification: Benign. Last evaluated: 2018-05-17. Review status: criteria provided, single submitter. Criteria: Invitae Variant Classification Sherloc (09022015). Collection method: clinical testing. Allele origin: germline.

Breakthrough Genomics
Classification: Benign. Review status: criteria provided, single submitter. Criteria: ACMG Guidelines, 2015. Collection method: not provided. Allele origin: germline. Inheritance: Autosomal dominant inheritance. Affected: yes.